The following is an entry in ClinVar:

ClinVar aggregate classification (germline): Likely benign. Review status: criteria provided, multiple submitters, no conflicts (2 of 4 stars). 2 submissions from 2 submitters: Likely benign (2). Last evaluated 2026-01-11.

Conditions:
ROBO2-related disorder. Also called: ROBO2-related condition.

Allele frequency attached by ClinVar (database versions not stated): TOPMed 0.00028; ExAC 0.00029; gnomAD exomes 0.00032; gnomAD 0.00034; ESP Exome Variant Server 0.00041; 1000 Genomes Project 30x 0.00047; 1000 Genomes Project 0.00060.
gnomAD v4.1: 514 of 1,614,130 alleles (0.032%); highest among the groups gnomAD compares: Non-Finnish European, 0.04%; no homozygotes.

Submissions (2):

Labcorp Genetics (formerly Invitae), Labcorp
Classification: Likely benign. Last evaluated: 2026-01-11. Review status: criteria provided, single submitter. Criteria: Invitae Variant Classification Sherloc (09022015). Collection method: clinical testing. Allele origin: germline.

PreventionGenetics, part of Exact Sciences
Classification: Likely benign for ROBO2-related condition. Last evaluated: 2025-05-07. Review status: criteria provided, single submitter. Criteria: ACMG Guidelines, 2015. Collection method: clinical testing. Allele origin: germline.
Comment: This variant is classified as likely benign based on ACMG/AMP sequence variant interpretation guidelines (Richards et al. 2015 PMID: 25741868, with internal and published modifications).

NM_001395656.1(ROBO2):c.3868C>T (p.Arg1290Trp)

Gene: ROBO2 (roundabout guidance receptor 2; plus strand). Cytogenetic location: 3p12.3.
Variant type: single nucleotide variant.
Coding change: c.3868C>T on transcript NM_001395656.1 (MANE Select); coding-DNA position 3868, C replaced by T.
Protein change: p.Arg1290Trp; replaces arginine 1290 with tryptophan.
Molecular consequence: missense variant. On other transcripts: intron variant (1).
Genome position (GRCh38, 1-based): chr3:77,634,965, C>T. VCF-style: chr3-77634965-C-T. GRCh37 (hg19) VCF-style: chr3-77684116-C-T.
Other names: c.3856C>T, p.Arg1286Trp (NM_002942.5, NM_001378193.1); c.3821-9739C>T (NM_001378203.1); c.3904C>T, p.Arg1302Trp (NM_001128929.3); c.3868C>T, p.Arg1290Trp (NM_001290039.2); c.4051C>T, p.Arg1351Trp (NM_001290040.2, NM_001394212.1, NM_001395657.1); c.2077C>T, p.Arg693Trp (NM_001290065.2); c.3916C>T, p.Arg1306Trp (NM_001378190.1, NM_001378200.1, NM_001378201.1); c.4042C>T, p.Arg1348Trp (NM_001378191.1, NM_001378195.1, NM_001378196.1); and 6 more; short protein forms R1306W, R1355W, R1351W, R1352W, R1290W, R1309W, R1313W, R1328W.
Identifiers: ClinVar variation 2712105 (VCV002712105.4), dbSNP rs62250276, ClinGen allele CA2497769.